The following is an entry in ClinVar:

ClinVar aggregate classification (germline): Pathogenic (1 of 4 stars; one submission).

Conditions:
Familial adenomatous polyposis 1 (FAP1). Also called: FAMILIAL ADENOMATOUS POLYPOSIS 1, ATTENUATED; POLYPOSIS, ADENOMATOUS INTESTINAL. Identifiers: MedGen C2713442, MONDO:0021056, OMIM 175100. Disease mechanism: loss of function.

Submission:

Myriad Genetics, Inc.
Classification: Pathogenic for Familial adenomatous polyposis 1. Last evaluated: 2023-05-01. Review status: criteria provided, single submitter. Criteria: Myriad Autosomal Dominant, Autosomal Recessive and X-Linked Classification Criteria (2023). Collection method: clinical testing. Allele origin: unknown.
Comment: This variant is considered pathogenic. This variant creates a termination codon and is predicted to result in premature protein truncation.

NM_000038.6(APC):c.1411G>T (p.Gly471Ter)

Gene: APC (APC regulator of Wnt signaling pathway; plus strand). Cytogenetic location: 5q22.2.
Variant type: single nucleotide variant.
Coding change: c.1411G>T on transcript NM_000038.6 (MANE Select); coding-DNA position 1411, G replaced by T.
Protein change: p.Gly471Ter; replaces glycine 471 with a stop codon.
Molecular consequence: nonsense.
Genome position (GRCh38, 1-based): chr5:112,827,110, G>T. VCF-style: chr5-112827110-G-T. GRCh37 (hg19) VCF-style: chr5-112162807-G-T.
Other names: c.1411G>T, p.Gly471Ter (NM_001127510.3, NM_001354895.2, NM_001407450.1); c.1357G>T, p.Gly453Ter (NM_001127511.3); c.1465G>T, p.Gly489Ter (NM_001354896.2, NM_001407447.1, NM_001407448.1 and 1 more transcripts); c.1441G>T, p.Gly481Ter (NM_001354897.2); c.1336G>T, p.Gly446Ter (NM_001354898.2); c.1327G>T, p.Gly443Ter (NM_001354899.2); c.1288G>T, p.Gly430Ter (NM_001354900.2); c.1234G>T, p.Gly412Ter (NM_001354901.2, NM_001407453.1); and 11 more; short protein forms G188*, G311*, G342*, G345*, G370*, G380*, G388*, G412*.
Identifiers: ClinVar variation 2583882 (VCV002583882.2), dbSNP rs1554081633, ClinGen allele CA16024399.
Genomic context (GRCh38, chr5:112,827,110, plus strand): 5'-GTACCAGTTTGTTTTATTTTAGATGATTGTCTTTTTCCTCTTGCCCTTTTTAAATTAGGG[G>T]GACTACAGGCCATTGCAGAATTATTGCAAGTGGACTGTGAAATGTATGGGCTTACTAATG-3'